The following is an entry in ClinVar:

ClinVar aggregate classification (germline): Likely benign. Review status: criteria provided, multiple submitters, no conflicts (2 of 4 stars). 2 submissions from 2 submitters: Likely benign (2). Last evaluated 2025-02-13.

Conditions:
SAG-related disorder. Also called: SAG-related disorders; SAG-related condition.

Allele frequency attached by ClinVar (database versions not stated): gnomAD exomes 0.00001; gnomAD 0.00005; TOPMed 0.00006.
gnomAD v4.1: 15 of 1,606,166 alleles (0.00093%); highest among the groups gnomAD compares: African/African-American, 0.011%; no homozygotes.

Submissions (2):

PreventionGenetics, part of Exact Sciences
Classification: Likely benign for SAG-related condition. Last evaluated: 2025-02-13. Review status: criteria provided, single submitter. Criteria: ACMG Guidelines, 2015. Collection method: clinical testing. Allele origin: germline.
Comment: This variant is classified as likely benign based on ACMG/AMP sequence variant interpretation guidelines (Richards et al. 2015 PMID: 25741868, with internal and published modifications).

Labcorp Genetics (formerly Invitae), Labcorp
Classification: Likely benign. Last evaluated: 2023-04-09. Review status: criteria provided, single submitter. Criteria: Invitae Variant Classification Sherloc (09022015). Collection method: clinical testing. Allele origin: germline.

NM_000541.5(SAG):c.303G>A (p.Ala101=)

Gene: SAG (S-antigen visual arrestin; plus strand). Cytogenetic location: 2q37.1.
Variant type: single nucleotide variant.
Coding change: c.303G>A on transcript NM_000541.5 (MANE Select); coding-DNA position 303, G replaced by A.
Protein change: p.Ala101=; no amino-acid change (alanine 101 retained).
Molecular consequence: synonymous variant.
Genome position (GRCh38, 1-based): chr2:233,320,751, G>A. VCF-style: chr2-233320751-G-A. GRCh37 (hg19) VCF-style: chr2-234229397-G-A.
Other names: c.303G>A (NM_000541.4).
Identifiers: ClinVar variation 1158971 (VCV001158971.10), dbSNP rs1018884865, ClinGen allele CA67542339.
Genomic context (GRCh38, chr2:233,320,751, plus strand): 5'-GACCTTCCGCAGGGACCTGTACTTCTCCCGGGTCCAGGTGTATCCTCCTGTGGGGGCCGC[G>A]AGCACCCCCACAAAACTGCAAGAGAGCCTGCTTAAAAAGCTGGGGAGCAACACGTACCCC-3'
Protein context (NP_000532.2, residues 91-111): RVQVYPPVGA[Ala101=]STPTKLQESL